The following is an entry in ClinVar:

NM_133510.4(RAD51B):c.514T>G (p.Leu172Val)

Gene: RAD51B (RAD51 paralog B; plus strand). Cytogenetic location: 14q24.1.
Variant type: single nucleotide variant.
Coding change: c.514T>G on transcript NM_133510.4 (MANE Select); coding-DNA position 514, T replaced by G.
Protein change: p.Leu172Val; replaces leucine 172 with valine.
Molecular consequence: missense variant.
Genome position (GRCh38, 1-based): chr14:67,885,930, T>G. VCF-style: chr14-67885930-T-G. GRCh37 (hg19) VCF-style: chr14-68352647-T-G.
Other names: c.514T>G, p.Leu172Val (NM_001321809.2, NM_001321810.2, NM_001321812.1 and 6 more transcripts); c.400T>G, p.Leu134Val (NM_001321815.1); c.157T>G, p.Leu53Val (NM_001321817.2); short protein forms L53V, L134V, L172V.
Identifiers: ClinVar variation 4575279 (VCV004575279.1).
Genomic context (GRCh38, chr14:67,885,930, plus strand): 5'-CTGGTTGAAATAGCAGAATCCCGTTTTCCCAGATATTTTAACACTGAAGAAAAGTTACTT[T>G]TGACAAGTAGTAAAGTTCATCTTTATCGGGAACTCACCTGTGATGAAGTTCTACAAAGGT-3'
Protein context (NP_598194.1, residues 162-182): RYFNTEEKLL[Leu172Val]TSSKVHLYRE

ClinVar aggregate classification (germline): Uncertain significance (1 of 4 stars; one submission).

Submission:

Ambry Genetics
Classification: Uncertain significance. Last evaluated: 2025-09-26. Review status: criteria provided, single submitter. Criteria: Ambry Variant Classification Scheme 2023. Collection method: clinical testing. Allele origin: germline.
Comment: The p.L172V variant (also known as c.514T>G), located in coding exon 5 of the RAD51B gene, results from a T to G substitution at nucleotide position 514. The leucine at codon 172 is replaced by valine, an amino acid with highly similar properties. This amino acid position is conserved. In addition, this alteration is predicted to be tolerated by in silico analysis. Based on the available evidence, the clinical significance of this variant remains unclear.